The following is an entry in ClinVar:

ClinVar aggregate classification (germline): Likely benign (0 of 4 stars; one submission).

Conditions:
HNF1B-related disorder. Also called: HNF1B-related disorders; HNF1B-related condition.

Allele frequency attached by ClinVar (database versions not stated): ExAC 0.00001.
gnomAD v4.1: 29 of 1,535,500 alleles (0.0019%); highest among the groups gnomAD compares: Non-Finnish European, 0.0026%; no homozygotes.

Submission:

PreventionGenetics, part of Exact Sciences
Classification: Likely benign for HNF1B-related condition. Last evaluated: 2022-06-14. Review status: no assertion criteria provided. Collection method: clinical testing. Allele origin: germline.
Comment: This variant is classified as likely benign based on ACMG/AMP sequence variant interpretation guidelines (Richards et al. 2015 PMID: 25741868, with internal and published modifications).

NM_000458.4(HNF1B):c.-23C>T

Gene: HNF1B (HNF1 homeobox B; minus strand). Cytogenetic location: 17q12.
Variant type: single nucleotide variant.
Coding change: c.-23C>T on transcript NM_000458.4 (MANE Select); 23 bases upstream of the start codon, C replaced by T.
Molecular consequence: 5 prime UTR variant.
Genome position (GRCh38, 1-based): chr17:37,744,907, G>A on the plus strand (C>T on the coding strand, the complement: HNF1B is on the minus strand). VCF-style: chr17-37744907-G-A. GRCh37 (hg19) VCF-style: chr17-36104898-G-A.
Other names: c.-23C>T (NM_001165923.4, NM_001304286.2, NM_001411100.1).
Identifiers: ClinVar variation 3029616 (VCV003029616.2), dbSNP rs757872420, ClinGen allele CA8519174.